The following is an entry in ClinVar:

ClinVar aggregate classification (germline): Uncertain significance (3 of 4 stars; one submission).

Conditions:
CYP1B1-related glaucoma with or without anterior segment dysgenesis. Identifiers: MedGen CN375931, MONDO:0800472.

Submission:

ClinGen Glaucoma Variant Curation Expert Panel
Classification: Uncertain significance for CYP1B1-related glaucoma with or without anterior segment dysgenesis. Last evaluated: 2025-11-19. Review status: reviewed by expert panel. Criteria: ClinGen CYP1B1 ACMG Specifications V1 Approved. Collection method: curation. Allele origin: germline. Inheritance: Autosomal recessive inheritance.
Comment: The c.1103G>T variant in CYP1B1 is a missense variant predicted to cause substitution of Arginine by Leucine at amino acid 368 (p.Arg368Leu). This variant was not found in any genetic ancestry group of gnomAD (v4.1.0), meeting the ≤ 0.0005 threshold set for PM2_Supporting in a genetic ancestry group of at least 2,000 alleles. The REVEL score = 0.797, which was within the 0.773-0.931 range for PP3_Moderate, predicting a damaging effect on CYP1B1 function. There was no functional evidence predicting a damaging or benign impact of this variant on CYP1B1 function. This variant has been identified in an individual with a CYP1B1-related phenotype. This individual is homozygous (assumed non-consanguineous) for this variant (PMID: 18852424). Total proband points = 0.5, meeting PM3_Supporting. In summary, this variant met the criteria to receive a score of 4 and to be classified as a variant of uncertain significance (uncertain significance classification range -1 to 5, adapted from PMID: 32720330) for CYP1B1-related glaucoma with or without anterior segment dysgenesis (ASD) based on the ACMG/AMP criteria met, as specified by the ClinGen Glaucoma VCEP (v1.0, 06.11.2025): PP3_Moderate, PM3_Supporting, PM2_Supporting.

NM_000104.4(CYP1B1):c.1103G>T (p.Arg368Leu)

Gene: CYP1B1 (cytochrome P450 family 1 subfamily B member 1; minus strand). Cytogenetic location: 2p22.2.
Variant type: single nucleotide variant.
Coding change: c.1103G>T on transcript NM_000104.4 (MANE Select); coding-DNA position 1103, G replaced by T.
Protein change: p.Arg368Leu; replaces arginine 368 with leucine.
Molecular consequence: missense variant.
Genome position (GRCh38, 1-based): chr2:38,071,251, C>A on the plus strand (G>T on the coding strand, the complement: CYP1B1 is on the minus strand). VCF-style: chr2-38071251-C-A. GRCh37 (hg19) VCF-style: chr2-38298394-C-A.
Other names: NM_000104.4:c.1103G>T; short protein forms R368L.
Identifiers: ClinVar variation 4530670 (VCV004530670.1).